The following is an entry in ClinVar:

ClinVar aggregate classification (germline): Conflicting classifications of pathogenicity. Review status: criteria provided, conflicting classifications (1 of 4 stars). 2 submissions from 2 submitters: Uncertain significance (1); Likely benign (1). Last evaluated 2025-01-08.

Conditions:
Inborn genetic diseases. Identifiers: MedGen C0950123, MeSH D030342.
Charcot-Marie-Tooth disease axonal type 2O. Also called: CHARCOT-MARIE-TOOTH NEUROPATHY, AXONAL, TYPE 2O; CHARCOT-MARIE-TOOTH DISEASE, AXONAL, AUTOSOMAL DOMINANT, TYPE 2O; Charcot-Marie-Tooth Neuropathy Type 2O; Charcot-Marie-Tooth disease, axonal, type 20. Identifiers: Orphanet 284232, MedGen C3280220, MONDO:0013644, OMIM 614228.

Allele frequency attached by ClinVar (database versions not stated): TOPMed below 0.00001; ExAC 0.00001; gnomAD 0.00001.
gnomAD v4.1: 2 of 1,614,070 alleles (0.00012%); highest among the groups gnomAD compares: African/African-American, 0.0027%; no homozygotes.

Submissions (2):

Ambry Genetics
Classification: Likely benign for Inborn genetic diseases. Last evaluated: 2025-01-08. Review status: criteria provided, single submitter. Criteria: Ambry Variant Classification Scheme 2023. Collection method: clinical testing. Allele origin: germline.

Labcorp Genetics (formerly Invitae), Labcorp
Classification: Uncertain significance for Charcot-Marie-Tooth disease axonal type 2O. Last evaluated: 2022-11-01. Review status: criteria provided, single submitter. Criteria: Invitae Variant Classification Sherloc (09022015). Collection method: clinical testing. Allele origin: germline.
Comment: This variant has not been reported in the literature in individuals affected with DYNC1H1-related conditions. In summary, the available evidence is currently insufficient to determine the role of this variant in disease. Therefore, it has been classified as a Variant of Uncertain Significance. Algorithms developed to predict the effect of sequence changes on RNA splicing suggest that this variant is not likely to affect RNA splicing. This variant is present in population databases (rs775263568, gnomAD 0.007%). This sequence change affects codon 4301 of the DYNC1H1 mRNA. It is a 'silent' change, meaning that it does not change the encoded amino acid sequence of the DYNC1H1 protein. It affects a nucleotide within the consensus splice site.

NM_001376.5(DYNC1H1):c.12903G>A (p.Arg4301=)

Gene: DYNC1H1 (dynein cytoplasmic 1 heavy chain 1; plus strand). Cytogenetic location: 14q32.31.
Variant type: single nucleotide variant.
Coding change: c.12903G>A on transcript NM_001376.5 (MANE Select); coding-DNA position 12903, G replaced by A.
Protein change: p.Arg4301=; no amino-acid change (arginine 4301 retained).
Molecular consequence: synonymous variant.
Genome position (GRCh38, 1-based): chr14:102,044,595, G>A. VCF-style: chr14-102044595-G-A. GRCh37 (hg19) VCF-style: chr14-102510932-G-A.
Identifiers: ClinVar variation 2111796 (VCV002111796.5), dbSNP rs775263568, ClinGen allele CA7354080.
Genomic context (GRCh38, chr14:102,044,595, plus strand): 5'-GCGTCTGGTGTCACTCAGAGGTGACCCCTGACATCATTTCCAAATGCACTGGTTTTCTAG[G>A]CGAGAGGAGTTTGTGCAGTGGGTGGAGTTGCTCCCCGACACCCAGACGCCCTCCTGGCTG-3'
Protein context (NP_001367.2, residues 4291-4311): HKDIQMPDGI[Arg4301=]REEFVQWVEL